The following is an entry in ClinVar:

NM_001903.5(CTNNA1):c.1778C>T (p.Ala593Val)

Gene: CTNNA1 (catenin alpha 1; plus strand). Cytogenetic location: 5q31.2.
Variant type: single nucleotide variant.
Coding change: c.1778C>T on transcript NM_001903.5 (MANE Select); coding-DNA position 1778, C replaced by T.
Protein change: p.Ala593Val; replaces alanine 593 with valine.
Molecular consequence: missense variant.
Genome position (GRCh38, 1-based): chr5:138,925,286, C>T. VCF-style: chr5-138925286-C-T. GRCh37 (hg19) VCF-style: chr5-138260975-C-T.
Other names: c.1778C>T, p.Ala593Val (NM_001290307.3, NM_001323982.2, NM_001323983.1 and 2 more transcripts); c.1469C>T, p.Ala490Val (NM_001290309.3); c.1409C>T, p.Ala470Val (NM_001290310.3); c.668C>T, p.Ala223Val (NM_001290312.1, NM_001323997.1, NM_001323998.1 and 17 more transcripts); c.1685C>T, p.Ala562Val (NM_001323986.2); c.329C>T, p.Ala110Val (NM_001324006.1, NM_001324007.1, NM_001324008.1 and 2 more transcripts); c.575C>T, p.Ala192Val (NM_001324011.1); c.425C>T, p.Ala142Val (NM_001324012.1, NM_001324013.1); short protein forms A142V, A192V, A593V, A110V, A562V, A223V, A470V, A490V.
Identifiers: ClinVar variation 2885364 (VCV002885364.3), dbSNP rs2150294516, ClinGen allele CA361132188.

ClinVar aggregate classification (germline): Uncertain significance (1 of 4 stars; one submission).

Submission:

Labcorp Genetics (formerly Invitae), Labcorp
Classification: Uncertain significance. Last evaluated: 2025-07-08. Review status: criteria provided, single submitter. Criteria: Invitae Variant Classification Sherloc (09022015). Collection method: clinical testing. Allele origin: germline.
Comment: This sequence change replaces alanine, which is neutral and non-polar, with valine, which is neutral and non-polar, at codon 593 of the CTNNA1 protein (p.Ala593Val). This variant is not present in population databases (gnomAD no frequency). This variant has not been reported in the literature in individuals affected with CTNNA1-related conditions. ClinVar contains an entry for this variant (Variation ID: 2885364). Invitae Evidence Modeling of protein sequence and biophysical properties (such as structural, functional, and spatial information, amino acid conservation, physicochemical variation, residue mobility, and thermodynamic stability) indicates that this missense variant is not expected to disrupt CTNNA1 protein function with a negative predictive value of 80%. In summary, the available evidence is currently insufficient to determine the role of this variant in disease. Therefore, it has been classified as a Variant of Uncertain Significance.